The following is an entry in ClinVar:

NM_025114.4(CEP290):c.4054GAA[1] (p.Glu1353del)

Gene: CEP290 (centrosomal protein 290; minus strand). Cytogenetic location: 12q21.32.
Variant type: Microsatellite.
Coding change: c.4054GAA[1] on transcript NM_025114.4 (MANE Select); one copy of the 3-base unit GAA starting at c.4054; the reference has two copies in a row; one copy, 3 bases deleted.
Protein change: p.Glu1353del; deletes glutamic acid 1353.
Molecular consequence: inframe deletion.
Genome position (GRCh38, 1-based): chr12:88,087,915-88,087,917, TTC deleted on the plus strand (GAA on the coding strand, the reverse complement: CEP290 is on the minus strand); deleting any 3 consecutive bases within chr12:88,087,915-88,087,921 gives the same sequence; the position shown is the placement nearest the transcript's 3' end. VCF-style (leftmost placement, unchanged base first): chr12-88087914-GTTC-G. GRCh37 (hg19) VCF-style: chr12-88481691-GTTC-G.
Other names: short protein forms E1353del.
Identifiers: ClinVar variation 1055998 (VCV001055998.8), dbSNP rs2036719008, ClinGen allele CA2052917453.

ClinVar aggregate classification (germline): Uncertain significance (1 of 4 stars; one submission).

Conditions:
Joubert syndrome. Also called: Familial aplasia of the vermis; CEREBELLOPARENCHYMAL DISORDER IV; JOUBERT-BOLTSHAUSER SYNDROME. Identifiers: Orphanet 475, MedGen C5979921, MONDO:0018772.
Meckel-Gruber syndrome. Also called: Dysencephalia splachnocystica; DYSENCEPHALIA SPLANCHNOCYSTICA; GRUBER SYNDROME. Identifiers: Orphanet 564, MedGen C0265215, MONDO:0018921.
Nephronophthisis. Also called: Juvenile Nephronophthisis. Identifiers: Orphanet 655, MedGen C0687120, MONDO:0019005, HP:0000090.

Submission:

Labcorp Genetics (formerly Invitae), Labcorp
Classification: Uncertain significance for Joubert syndrome; Meckel-Gruber syndrome; Nephronophthisis. Last evaluated: 2021-08-26. Review status: criteria provided, single submitter. Criteria: Invitae Variant Classification Sherloc (09022015). Collection method: clinical testing. Allele origin: germline.
Comment: This variant, c.4057_4059del, results in the deletion of 1 amino acid(s) of the CEP290 protein (p.Glu1353del), but otherwise preserves the integrity of the reading frame. The frequency data for this variant in the population databases is considered unreliable, as metrics indicate insufficient coverage at this position in the ExAC database. This variant has not been reported in the literature in individuals affected with CEP290-related conditions. Experimental studies and prediction algorithms are not available or were not evaluated, and the functional significance of this variant is currently unknown. In summary, the available evidence is currently insufficient to determine the role of this variant in disease. Therefore, it has been classified as a Variant of Uncertain Significance.